The following is an entry in ClinVar:

NM_001111125.3(IQSEC2):c.4148_4149del (p.Gln1383fs)

Gene: IQSEC2 (IQ motif and Sec7 domain ArfGEF 2; minus strand). Cytogenetic location: Xp11.22.
Variant type: Deletion.
Coding change: c.4148_4149del on transcript NM_001111125.3 (MANE Select); coding-DNA positions 4148 to 4149, 2 bases deleted (AG; older notation c.4148_4149delAG).
Protein change: p.Gln1383fs; shifts the reading frame from glutamine 1383.
Molecular consequence: frameshift variant. On other transcripts: 3 prime UTR variant (4), intron variant (2).
Genome position (GRCh38, 1-based): chrX:53,234,537-53,234,538, CT deleted on the plus strand (AG on the coding strand, the reverse complement: IQSEC2 is on the minus strand). VCF-style (leftmost placement, unchanged base first): chrX-53234536-CCT-C. GRCh37 (hg19) VCF-style: chrX-53263718-CCT-C.
Other names: c.*633_*634del (NM_001410736.1, NM_001441093.1, NM_001441094.1 and 1 more transcripts); c.3451+1784_3451+1785del (NM_001441092.1); c.2740+1784_2740+1785del (NM_001441095.1); short protein forms Q1383fs.
Identifiers: ClinVar variation 4839809 (VCV004839809.1).

ClinVar aggregate classification (germline): Uncertain significance (1 of 4 stars; one submission).

Conditions:
Inborn genetic diseases. Identifiers: MedGen C0950123, MeSH D030342.

Submission:

Ambry Genetics
Classification: Uncertain significance for Inborn genetic diseases. Last evaluated: 2026-02-09. Review status: criteria provided, single submitter. Criteria: Ambry Variant Classification Scheme 2023. Collection method: clinical testing. Allele origin: germline.
Comment: The c.4148_4149delAG (p.Q1383Rfs*3) alteration, located in exon 15 (coding exon 15) of the IQSEC2 gene, consists of a deletion of 2 nucleotides from position 4148 to 4149, causing a translational frameshift with a predicted alternate stop codon after 3 amino acids. This variant is not expected to trigger nonsense-mediated mRNA decay, and impacts the last 7% of the protein. The exact functional effect of this variant is unknown. This variant was not reported in population-based cohorts in the Genome Aggregation Database (gnomAD). Based on insufficient or conflicting evidence, the clinical significance of this alteration remains unclear.